The following is an entry in ClinVar:

NM_016286.4(DCXR):c.21C>T (p.Gly7=)

Genes: DCXR (dicarbonyl and L-xylulose reductase; minus strand), LOC130061998 (ATAC-STARR-seq lymphoblastoid silent region 9184; plus strand). Cytogenetic location: 17q25.3.
Variant type: single nucleotide variant.
Coding change: c.21C>T on transcript NM_016286.4 (MANE Select); coding-DNA position 21, C replaced by T.
Protein change: p.Gly7=; no amino-acid change (glycine 7 retained).
Molecular consequence: synonymous variant.
Genome position (GRCh38, 1-based): chr17:82,037,662, G>A on the plus strand (C>T on the coding strand, the complement: DCXR is on the minus strand). VCF-style: chr17-82037662-G-A. GRCh37 (hg19) VCF-style: chr17-79995538-G-A.
Other names: c.21C>T, p.Gly7= (NM_001195218.1).
Identifiers: ClinVar variation 3039358 (VCV003039358.3), dbSNP rs191302793, ClinGen allele CA8848814.

ClinVar aggregate classification (germline): Likely benign. Review status: criteria provided, single submitter (1 of 4 stars). 2 submissions from 2 submitters: Likely benign (1). 1 of the submissions does not count toward it. Last evaluated 2024-11-14.

Conditions:
DCXR-related disorder. Also called: DCXR-related condition.

Allele frequency attached by ClinVar (database versions not stated): ExAC 0.00257; ESP Exome Variant Server 0.00451; gnomAD 0.00548; 1000 Genomes Project 0.00639; TOPMed 0.00665; 1000 Genomes Project 30x 0.00703.
gnomAD v4.1: 1,724 of 1,591,114 alleles (0.11%); highest among the groups gnomAD compares: African/African-American, 2%; 11 homozygotes.

Submissions (2):

Blueprint Genetics
Classification: Likely benign. Last evaluated: 2024-11-14. Review status: criteria provided, single submitter. Criteria: ACMG Guidelines, 2015. Collection method: clinical testing. Allele origin: germline.

PreventionGenetics, part of Exact Sciences
Classification: Benign for DCXR-related condition. Last evaluated: 2019-09-17. Review status: no assertion criteria provided. Collection method: clinical testing. Allele origin: germline. Not counted in ClinVar's aggregate classification.
Comment: This variant is classified as benign based on ACMG/AMP sequence variant interpretation guidelines (Richards et al. 2015 PMID: 25741868, with internal and published modifications).